The following is an entry in ClinVar:

ClinVar aggregate classification (germline): Uncertain significance. Review status: reviewed by expert panel (3 of 4 stars). 4 submissions from 4 submitters: Uncertain significance (1). 3 of the submissions do not count toward it. Last evaluated 2026-08-20.

Conditions:
Retinitis pigmentosa 20 (RP20). Identifiers: Orphanet 791, MedGen C3151086, MONDO:0013425, OMIM 613794.
Leber congenital amaurosis 2 (LCA2). Also called: AMAUROSIS CONGENITA OF LEBER II; Autosomal Recessive RPE65-Related Retinal Degeneration. Identifiers: Orphanet 65, MedGen C1859844, MONDO:0008765, OMIM 204100. Disease mechanism: loss of function.
Retinitis pigmentosa (RP). Identifiers: Orphanet 791, MedGen C0035334, MeSH D012174, MONDO:0019200, OMIM 268000. Inheritance: Autosomal dominant, autosomal recessive and X linked inheritance.
RPE65-related recessive retinopathy. Also called: Recessive RPE65 retinopathy. Identifiers: MedGen CN305526, MONDO:0100368.

Submissions (4):

ClinGen Leber Congenital Amaurosis/early Onset Retinal Dystrophy Variant Curation Expert Panel, ClinGen
Classification: Uncertain significance for RPE65-related recessive retinopathy. Last evaluated: 2026-08-20. Review status: reviewed by expert panel. Criteria: ClinGen LCAeoRD ACMG Specifications RPE65 V1.0.0. Collection method: curation. Allele origin: germline. Inheritance: Autosomal recessive inheritance.
Comment: NM_000329.3(RPE65):c.314C>A (p.Thr105Asn) is a missense variant causing substitution of threonine with asparagine at position p.105. This variant is absent from gnomAD v4.1.1 (PM2_Supporting). The computational predictor REVEL gives a score of 0.917, which is above the ClinGen LCA / eoRD VCEP threshold of ≥0.773 and predicts a damaging effect on RPE65 function (PP3_Moderate). This variant has been reported in ClinVar in at least 1 proband diagnosed with Leber congenital amaurosis, however, the variant was present in an unknown state of zygosity, so the PM3 code is not met (SCV001425554.1). Another missense variant at the same codon, NM_000329.3(RPE65):c.314C>T (p.Thr105Ile), has previously been reported in relation to early onset severe retinal dystrophy (PMID: 37217489) but has not yet been classified by the ClinGen Leber congenital amaurosis / early onset retinal dystrophy VCEP, so PM5 is not met. In summary, this variant meets the criteria to be classified as a variant of uncertain significance for RPE65-related recessive retinopathy based on the ACMG/AMP criteria applied, as specified by the ClinGen LCA / eoRD VCEP: PM2_Supporting and PP3_Moderate. (LCA/eoRD VCEP specifications version 1.0.0).

Labcorp Genetics (formerly Invitae), Labcorp
Classification: Uncertain significance for Leber congenital amaurosis 2; Retinitis pigmentosa 20. Last evaluated: 2021-11-08. Review status: criteria provided, single submitter. Criteria: Invitae Variant Classification Sherloc (09022015). Collection method: clinical testing. Allele origin: germline. Not counted in ClinVar's aggregate classification.
Comment: This sequence change replaces threonine, which is neutral and polar, with asparagine, which is neutral and polar, at codon 105 of the RPE65 protein (p.Thr105Asn). This variant is not present in population databases (gnomAD no frequency). This variant has not been reported in the literature in individuals affected with RPE65-related conditions. ClinVar contains an entry for this variant (Variation ID: 962032). Algorithms developed to predict the effect of missense changes on protein structure and function are either unavailable or do not agree on the potential impact of this missense change (SIFT: "Tolerated"; PolyPhen-2: "Probably Damaging"; Align-GVGD: "Class C0"). In summary, the available evidence is currently insufficient to determine the role of this variant in disease. Therefore, it has been classified as a Variant of Uncertain Significance.

INSERM U1051, Institut des Neurosciences de Montpellier
Classification: Uncertain significance for Retinitis pigmentosa. Last evaluated: 2020-06-24. Review status: criteria provided, single submitter. Criteria: ACMG Guidelines, 2015. Collection method: research. Allele origin: inherited. Affected: yes. Not counted in ClinVar's aggregate classification.

Laboratory of Genetics in Ophthalmology, Institut Imagine
Classification: Likely pathogenic for Leber congenital amaurosis 2. Review status: no assertion criteria provided. Collection method: research. Allele origin: inherited. Affected: yes. Observed: 1 variant allele. Not counted in ClinVar's aggregate classification.

NM_000329.3(RPE65):c.314C>A (p.Thr105Asn)

Gene: RPE65 (retinoid isomerohydrolase RPE65; minus strand). Cytogenetic location: 1p31.3.
Variant type: single nucleotide variant.
Coding change: c.314C>A on transcript NM_000329.3 (MANE Select); coding-DNA position 314, C replaced by A.
Protein change: p.Thr105Asn; replaces threonine 105 with asparagine.
Molecular consequence: missense variant.
Genome position (GRCh38, 1-based): chr1:68,444,815, G>T on the plus strand (C>A on the coding strand, the complement: RPE65 is on the minus strand). VCF-style: chr1-68444815-G-T. GRCh37 (hg19) VCF-style: chr1-68910498-G-T.
Other names: NM_000329.3(RPE65):c.314C>A; p.Thr105Asn; short protein forms T105N.
Identifiers: ClinVar variation 962032 (VCV000962032.8), dbSNP rs1260914084, ClinGen allele CA340748250.
Genomic context (GRCh38, chr1:68,444,815, plus strand): 5'-ATTCAGTTTGGGTTCAGTAACCTGGAAAATATATTCTTGCAGGGATCTGGGAAAGCACAG[G>T]TGCCAAATTCTGTTATGACGATCCTTTTCTCAGTCATTGCCCGTACGTAAGCATCAGTGC-3'
Protein context (NP_000320.1, residues 95-115): EKRIVITEFG[Thr105Asn]CAFPDPCKNI